The following is an entry in ClinVar:

ClinVar aggregate classification (germline): Uncertain significance (1 of 4 stars; one submission).

Conditions:
Hereditary cancer-predisposing syndrome. Also called: Tumor predisposition; Hereditary neoplastic syndrome; Neoplastic Syndromes, Hereditary; Hereditary Cancer Syndrome. Identifiers: Orphanet 140162, MedGen C0027672, MeSH D009386, MONDO:0015356.

Submission:

Ambry Genetics
Classification: Uncertain significance for Hereditary cancer-predisposing syndrome. Last evaluated: 2025-05-20. Review status: criteria provided, single submitter. Criteria: Ambry Variant Classification Scheme 2023. Collection method: clinical testing. Allele origin: germline.
Comment: The p.I99T variant (also known as c.296T>C), located in coding exon 3 of the EGFR gene, results from a T to C substitution at nucleotide position 296. The isoleucine at codon 99 is replaced by threonine, an amino acid with similar properties. This amino acid position is conserved. In addition, this alteration is predicted to be deleterious by in silico analysis. Based on the available evidence, the clinical significance of this variant remains unclear.

NM_005228.5(EGFR):c.296T>C (p.Ile99Thr)

Gene: EGFR (epidermal growth factor receptor; plus strand). Cytogenetic location: 7p11.2.
Variant type: single nucleotide variant.
Coding change: c.296T>C on transcript NM_005228.5 (MANE Select); coding-DNA position 296, T replaced by C.
Protein change: p.Ile99Thr; replaces isoleucine 99 with threonine.
Molecular consequence: missense variant. On other transcripts: intron variant (1).
Genome position (GRCh38, 1-based): chr7:55,143,360, T>C. VCF-style: chr7-55143360-T-C. GRCh37 (hg19) VCF-style: chr7-55211053-T-C.
Other names: c.296T>C, p.Ile99Thr (NM_201282.2, NM_201283.2, NM_201284.2 and 3 more transcripts); c.89-12470T>C (NM_001346941.2); c.137T>C, p.Ile46Thr (NM_001346900.2); short protein forms I46T, I99T.
Identifiers: ClinVar variation 4016786 (VCV004016786.1).